The following is an entry in ClinVar:

ClinVar aggregate classification (germline): Pathogenic (1 of 4 stars; one submission).

Conditions:
Congenital muscular hypertrophy-cerebral syndrome (CDLS2). Also called: SMC1A-Related Cornelia de Lange Syndrome; Cornelia de Lange syndrome 2. Identifiers: Orphanet 199, MedGen C1802395, MONDO:0010370, OMIM 300590.

Submission:

Labcorp Genetics (formerly Invitae), Labcorp
Classification: Pathogenic for Congenital muscular hypertrophy-cerebral syndrome. Last evaluated: 2022-12-12. Review status: criteria provided, single submitter. Criteria: Invitae Variant Classification Sherloc (09022015). Collection method: clinical testing. Allele origin: germline.
Comment: For these reasons, this variant has been classified as Pathogenic. This variant has not been reported in the literature in individuals affected with SMC1A-related conditions. This variant is not present in population databases (gnomAD no frequency). This sequence change creates a premature translational stop signal (p.Gln483Serfs*2) in the SMC1A gene. It is expected to result in an absent or disrupted protein product. Loss-of-function variants in SMC1A are known to be pathogenic (PMID: 26386245, 27334371, 28166369, 28548707, 31334757).

Literature cited by the submitters: PubMed 26386245; PubMed 27334371; PubMed 28166369; PubMed 28548707; PubMed 31334757.

NM_006306.4(SMC1A):c.1447del (p.Gln483fs)

Gene: SMC1A (structural maintenance of chromosomes 1A; minus strand). Cytogenetic location: Xp11.22.
Variant type: Deletion.
Coding change: c.1447del on transcript NM_006306.4 (MANE Select); coding-DNA position 1447, one base deleted (C; older notation c.1447delC).
Protein change: p.Gln483fs; shifts the reading frame from glutamine 483.
Molecular consequence: frameshift variant.
Genome position (GRCh38, 1-based): chrX:53,409,160, G deleted on the plus strand (C on the coding strand, the reverse complement: SMC1A is on the minus strand). VCF-style (leftmost placement, unchanged base first): chrX-53409159-TG-T. GRCh37 (hg19) VCF-style: chrX-53436090-TG-T.
Other names: c.1381del, p.Gln461fs (NM_001281463.1); short protein forms Q461fs, Q483fs.
Identifiers: ClinVar variation 2808994 (VCV002808994.3), dbSNP rs2520942867, ClinGen allele CA2739273512.